The following is an entry in ClinVar:

NM_003801.4(GPAA1):c.1331T>C (p.Leu444Pro)

Gene: GPAA1 (glycosylphosphatidylinositol anchor attachment 1; plus strand). Cytogenetic location: 8q24.3.
Variant type: single nucleotide variant.
Coding change: c.1331T>C on transcript NM_003801.4 (MANE Select); coding-DNA position 1331, T replaced by C.
Protein change: p.Leu444Pro; replaces leucine 444 with proline.
Molecular consequence: missense variant.
Genome position (GRCh38, 1-based): chr8:144,085,359, T>C. VCF-style: chr8-144085359-T-C. GRCh37 (hg19) VCF-style: chr8-145140262-T-C.
Other names: short protein forms L444P.
Identifiers: ClinVar variation 4281954 (VCV004281954.1).

ClinVar aggregate classification (germline): Uncertain significance (1 of 4 stars; one submission).

Submission:

GeneDx
Classification: Uncertain significance. Last evaluated: 2025-04-11. Review status: criteria provided, single submitter. Criteria: GeneDx Variant Classification Process June 2021. Collection method: clinical testing. Allele origin: germline. Affected: yes.
Comment: Not observed at significant frequency in large population cohorts (gnomAD); In silico analysis indicates that this missense variant does not alter protein structure/function; Has not been previously published as pathogenic or benign to our knowledge